The following is an entry in ClinVar:

NM_001170535.3(ATAD3A):c.1058C>T (p.Pro353Leu)

Gene: ATAD3A (ATPase family AAA domain containing 3A; plus strand). Cytogenetic location: 1p36.33.
Variant type: single nucleotide variant.
Coding change: c.1058C>T on transcript NM_001170535.3 (MANE Select); coding-DNA position 1058, C replaced by T.
Protein change: p.Pro353Leu; replaces proline 353 with leucine.
Molecular consequence: missense variant.
Genome position (GRCh38, 1-based): chr1:1,523,933, C>T. VCF-style: chr1-1523933-C-T. GRCh37 (hg19) VCF-style: chr1-1459313-C-T.
Other names: c.821C>T, p.Pro274Leu (NM_001170536.3); c.1202C>T, p.Pro401Leu (NM_018188.5); c.1058C>T (NM_001170535.1); short protein forms P274L, P353L, P401L.
Identifiers: ClinVar variation 1709376 (VCV001709376.2), dbSNP rs1303840595, ClinGen allele CA337857742.

ClinVar aggregate classification (germline): Uncertain significance. Review status: criteria provided, multiple submitters, no conflicts (2 of 4 stars). 2 submissions from 2 submitters: Uncertain significance (2). Last evaluated 2025-07-25.

Conditions:
Harel-Yoon syndrome (HAYOS). Also called: Optic atrophy-peripheral neuropathy-developmental delay syndrome. Identifiers: Orphanet 496790, MedGen C4310677, MONDO:0014958, OMIM 617183.

Allele frequency attached by ClinVar (database versions not stated): gnomAD exomes below 0.00001; TOPMed below 0.00001; gnomAD 0.00001.

Submissions (2):

GeneDx
Classification: Uncertain significance. Last evaluated: 2025-07-25. Review status: criteria provided, single submitter. Criteria: GeneDx Variant Classification Process June 2021. Collection method: clinical testing. Allele origin: germline. Affected: yes.
Comment: Not observed at significant frequency in large population cohorts (gnomAD); In silico analysis supports that this missense variant has a deleterious effect on protein structure/function; Has not been previously published as pathogenic or benign to our knowledge

MGZ Medical Genetics Center
Classification: Uncertain significance for Harel-Yoon syndrome. Last evaluated: 2022-03-23. Review status: criteria provided, single submitter. Criteria: ACMG Guidelines, 2015. Collection method: clinical testing. Allele origin: germline. Affected: yes. Observed: 1 variant allele.
Comment: ACMG criteria applied: PM2_SUP, PP3